The following is an entry in ClinVar:

NM_177550.5(SLC13A5):c.1395C>T (p.Asn465=)

Gene: SLC13A5 (solute carrier family 13 member 5; minus strand). Cytogenetic location: 17p13.1.
Variant type: single nucleotide variant.
Coding change: c.1395C>T on transcript NM_177550.5 (MANE Select); coding-DNA position 1395, C replaced by T.
Protein change: p.Asn465=; no amino-acid change (asparagine 465 retained).
Molecular consequence: synonymous variant.
Genome position (GRCh38, 1-based): chr17:6,690,821, G>A on the plus strand (C>T on the coding strand, the complement: SLC13A5 is on the minus strand). VCF-style: chr17-6690821-G-A. GRCh37 (hg19) VCF-style: chr17-6594140-G-A.
Other names: c.1395C>T, p.Asn465= (NM_001143838.3); c.1344C>T, p.Asn448= (NM_001284509.2); c.1266C>T, p.Asn422= (NM_001284510.2).
Identifiers: ClinVar variation 384844 (VCV000384844.18), dbSNP rs150722760, ClinGen allele CA8331401.

ClinVar aggregate classification (germline): Benign/Likely benign. Review status: criteria provided, multiple submitters, no conflicts (2 of 4 stars). 4 submissions from 4 submitters: Benign (2); Likely benign (2). Last evaluated 2025-12-01.

Conditions:
Inborn genetic diseases. Identifiers: MedGen C0950123, MeSH D030342.
Developmental and epileptic encephalopathy, 25 (DEE25). Also called: Developmental and epileptic encephalopathy 25, with amelogenesis imperfecta; Epileptic encephalopathy, early infantile, 25, with amelogenesis imperfecta; Epileptic encephalopathy, early infantile, 25. Identifiers: Orphanet 442835, MedGen C4014621, MONDO:0014392, OMIM 615905.

Allele frequency attached by ClinVar (database versions not stated): 1000 Genomes Project 0.00040; gnomAD exomes 0.00011 and 0.00033; gnomAD 0.00016 and 0.00017; TOPMed 0.00020; ExAC 0.00030; 1000 Genomes Project 30x 0.00031.

Submissions (4):

Labcorp Genetics (formerly Invitae), Labcorp
Classification: Benign for Developmental and epileptic encephalopathy, 25. Last evaluated: 2025-12-01. Review status: criteria provided, single submitter. Criteria: Invitae Variant Classification Sherloc (09022015). Collection method: clinical testing. Allele origin: germline.

Genome-Nilou Lab
Classification: Benign for Developmental and epileptic encephalopathy, 25. Last evaluated: 2021-07-15. Review status: criteria provided, single submitter. Criteria: ACMG Guidelines, 2015. Collection method: clinical testing. Allele origin: germline. Affected: no.

Ambry Genetics
Classification: Likely benign for Inborn genetic diseases. Last evaluated: 2017-01-30. Review status: criteria provided, single submitter. Criteria: Ambry Variant Classification Scheme 2023. Collection method: clinical testing. Allele origin: germline.

GeneDx
Classification: Likely benign. Last evaluated: 2016-04-01. Review status: criteria provided, single submitter. Criteria: GeneDx Variant Classification (06012015). Collection method: clinical testing. Allele origin: germline. Affected: yes.
Comment: This variant is considered likely benign or benign based on one or more of the following criteria: it is a conservative change, it occurs at a poorly conserved position in the protein, it is predicted to be benign by multiple in silico algorithms, and/or has population frequency not consistent with disease.